The following is an entry in ClinVar:

NM_014727.3(KMT2B):c.515C>T (p.Thr172Ile)

Gene: KMT2B (lysine methyltransferase 2B; plus strand). Cytogenetic location: 19q13.12.
Variant type: single nucleotide variant.
Coding change: c.515C>T on transcript NM_014727.3 (MANE Select); coding-DNA position 515, C replaced by T.
Protein change: p.Thr172Ile; replaces threonine 172 with isoleucine.
Molecular consequence: missense variant.
Genome position (GRCh38, 1-based): chr19:35,719,862, C>T. VCF-style: chr19-35719862-C-T. GRCh37 (hg19) VCF-style: chr19-36210764-C-T.
Other names: c.515C>T (NM_014727.1); short protein forms T172I.
Identifiers: ClinVar variation 1335336 (VCV001335336.40), dbSNP rs60207923, ClinGen allele CA9384045.

ClinVar aggregate classification (germline): Benign/Likely benign. Review status: criteria provided, multiple submitters, no conflicts (2 of 4 stars). 3 submissions from 3 submitters: Benign (1); Likely benign (2). Last evaluated 2026-08-01.

Conditions:
Inborn genetic diseases. Identifiers: MedGen C0950123, MeSH D030342.

Allele frequency attached by ClinVar (database versions not stated): gnomAD exomes 0.00034; ExAC 0.00042; ESP Exome Variant Server 0.00115; TOPMed 0.00124; gnomAD 0.00127 and 0.00139; 1000 Genomes Project 0.00200; 1000 Genomes Project 30x 0.00265.
gnomAD v4.1: 401 of 1,612,928 alleles (0.025%); highest among the groups gnomAD compares: African/African-American, 0.5%; 2 homozygotes.

Submissions (3):

CeGaT Center for Human Genetics Tuebingen
Classification: Likely benign. Last evaluated: 2026-08-01. Review status: criteria provided, single submitter. Criteria: CeGaT Center For Human Genetics Tuebingen Variant Classification Criteria Version 2. Collection method: clinical testing. Allele origin: germline. Affected: yes. Observed: 4 variant alleles.
Comment: KMT2B: BP4

Labcorp Genetics (formerly Invitae), Labcorp
Classification: Benign. Last evaluated: 2026-02-03. Review status: criteria provided, single submitter. Criteria: Invitae Variant Classification Sherloc (09022015). Collection method: clinical testing. Allele origin: germline.

Ambry Genetics
Classification: Likely benign for Inborn genetic diseases. Last evaluated: 2024-05-24. Review status: criteria provided, single submitter. Criteria: Ambry Variant Classification Scheme 2023. Collection method: clinical testing. Allele origin: germline.